The following is an entry in ClinVar:

NM_020778.5(ALPK3):c.4109T>C (p.Ile1370Thr)

Gene: ALPK3 (alpha kinase 3; plus strand). Cytogenetic location: 15q25.3.
Variant type: single nucleotide variant.
Coding change: c.4109T>C on transcript NM_020778.5 (MANE Select); coding-DNA position 4109, T replaced by C.
Protein change: p.Ile1370Thr; replaces isoleucine 1370 with threonine.
Molecular consequence: missense variant.
Genome position (GRCh38, 1-based): chr15:84,860,052, T>C. VCF-style: chr15-84860052-T-C. GRCh37 (hg19) VCF-style: chr15-85403283-T-C.
Other names: short protein forms I1370T.
Identifiers: ClinVar variation 3617495 (VCV003617495.2).

ClinVar aggregate classification (germline): Uncertain significance (1 of 4 stars; one submission).

gnomAD v4.1: 4 of 1,614,038 alleles (0.00025%); highest among the groups gnomAD compares: Admixed American, 0.0067%; no homozygotes.

Submission:

Labcorp Genetics (formerly Invitae), Labcorp
Classification: Uncertain significance. Last evaluated: 2024-10-07. Review status: criteria provided, single submitter. Criteria: Invitae Variant Classification Sherloc (09022015). Collection method: clinical testing. Allele origin: germline.
Comment: This sequence change replaces isoleucine, which is neutral and non-polar, with threonine, which is neutral and polar, at codon 1572 of the ALPK3 protein (p.Ile1572Thr). This variant is present in population databases (rs374166983, gnomAD 0.009%). This variant has not been reported in the literature in individuals affected with ALPK3-related conditions. Invitae Evidence Modeling of protein sequence and biophysical properties (such as structural, functional, and spatial information, amino acid conservation, physicochemical variation, residue mobility, and thermodynamic stability) indicates that this missense variant is not expected to disrupt ALPK3 protein function with a negative predictive value of 80%. In summary, the available evidence is currently insufficient to determine the role of this variant in disease. Therefore, it has been classified as a Variant of Uncertain Significance.